The following is an entry in ClinVar:

ClinVar aggregate classification (germline): Uncertain significance. Review status: criteria provided, multiple submitters, no conflicts (2 of 4 stars). 2 submissions from 2 submitters: Uncertain significance (2). Last evaluated 2022-11-27.

Conditions:
JMJD1C-related disorder. Also called: JMJD1C-related condition.

Allele frequency attached by ClinVar (database versions not stated): gnomAD exomes below 0.00001; gnomAD 0.00001.
gnomAD v4.1: 4 of 1,613,870 alleles (0.00025%); highest among the groups gnomAD compares: Non-Finnish European, 0.00034%; no homozygotes.

Submissions (2):

PreventionGenetics, part of Exact Sciences
Classification: Uncertain significance for JMJD1C-related condition. Last evaluated: 2022-11-27. Review status: criteria provided, single submitter. Criteria: ACMG Guidelines, 2015. Collection method: clinical testing. Allele origin: germline.
Comment: The JMJD1C c.5108G>A variant is predicted to result in the amino acid substitution p.Arg1703His. To our knowledge, this variant has not been reported in the literature. This variant is reported in 0.00088% of alleles in individuals of European (Non-Finnish) descent in gnomAD. Although we suspect that this variant may be pathogenic, at this time, the clinical significance of this variant is uncertain due to the absence of conclusive functional and genetic evidence.

Revvity Omics, Revvity
Classification: Uncertain significance. Last evaluated: 2021-10-29. Review status: criteria provided, single submitter. Criteria: ACMG Guidelines, 2015. Collection method: clinical testing. Allele origin: germline.

NM_032776.3(JMJD1C):c.5108G>A (p.Arg1703His)

Gene: JMJD1C (jumonji domain containing 1C; minus strand). Cytogenetic location: 10q21.3.
Variant type: single nucleotide variant.
Coding change: c.5108G>A on transcript NM_032776.3 (MANE Select); coding-DNA position 5108, G replaced by A.
Protein change: p.Arg1703His; replaces arginine 1703 with histidine.
Molecular consequence: missense variant.
Genome position (GRCh38, 1-based): chr10:63,200,644, C>T on the plus strand (G>A on the coding strand, the complement: JMJD1C is on the minus strand). VCF-style: chr10-63200644-C-T. GRCh37 (hg19) VCF-style: chr10-64960404-C-T.
Other names: c.4562G>A, p.Arg1521His (NM_001282948.2, NM_001318154.2); c.4244G>A, p.Arg1415His (NM_001318153.2); c.4994G>A, p.Arg1665His (NM_001322252.2); c.4451G>A, p.Arg1484His (NM_001322254.2, NM_001322258.2); short protein forms R1415H, R1484H, R1521H, R1665H, R1703H.
Identifiers: ClinVar variation 2635450 (VCV002635450.3), dbSNP rs1564593724, ClinGen allele CA377033438.